The following is an entry in ClinVar:

NM_002430.3(MN1):c.1079A>C (p.Gln360Pro)

Gene: MN1 (MN1 proto-oncogene, transcriptional regulator; minus strand). Cytogenetic location: 22q12.1.
Variant type: single nucleotide variant.
Coding change: c.1079A>C on transcript NM_002430.3 (MANE Select); coding-DNA position 1079, A replaced by C.
Protein change: p.Gln360Pro; replaces glutamine 360 with proline.
Molecular consequence: missense variant.
Genome position (GRCh38, 1-based): chr22:27,799,465, T>G on the plus strand (A>C on the coding strand, the complement: MN1 is on the minus strand). VCF-style: chr22-27799465-T-G. GRCh37 (hg19) VCF-style: chr22-28195453-T-G.
Other names: short protein forms Q360P.
Identifiers: ClinVar variation 3347631 (VCV003347631.1).

ClinVar aggregate classification (germline): Uncertain significance (0 of 4 stars; one submission).

Conditions:
MN1-related disorder. Also called: MN1-related condition.

gnomAD v4.1: 2 of 1,455,020 alleles (0.00014%); highest among the groups gnomAD compares: Admixed American, 0.0028%; no homozygotes.

Submission:

PreventionGenetics, part of Exact Sciences
Classification: Uncertain significance for MN1-related condition. Last evaluated: 2024-07-22. Review status: no assertion criteria provided. Collection method: clinical testing. Allele origin: germline.
Comment: The MN1 c.1079A>C variant is predicted to result in the amino acid substitution p.Gln360Pro. To our knowledge, this variant has not been reported in the literature or in a large population database, indicating this variant is rare. At this time, the clinical significance of this variant is uncertain due to the absence of conclusive functional and genetic evidence.